The following is an entry in ClinVar:

NM_005188.4(CBL):c.1259G>C (p.Arg420Pro)

Gene: CBL (Cbl proto-oncogene; plus strand). Cytogenetic location: 11q23.3.
Variant type: single nucleotide variant.
Coding change: c.1259G>C on transcript NM_005188.4 (MANE Select); coding-DNA position 1259, G replaced by C.
Protein change: p.Arg420Pro; replaces arginine 420 with proline.
Molecular consequence: missense variant.
Genome position (GRCh38, 1-based): chr11:119,278,541, G>C. VCF-style: chr11-119278541-G-C. GRCh37 (hg19) VCF-style: chr11-119149251-G-C.
Other names: c.1259G>C (NM_005188.2); short protein forms R420P.
Identifiers: ClinVar variation 2065458 (VCV002065458.6), dbSNP rs267606708, ClinGen allele CA382913844.

ClinVar aggregate classification (germline): Conflicting classifications of pathogenicity. Review status: criteria provided, conflicting classifications (1 of 4 stars). 3 submissions from 3 submitters: Likely pathogenic (2); Uncertain significance (1). Last evaluated 2025-09-08.

Conditions:
RASopathy. Also called: rasopathies; Noonan spectrum disorder. Identifiers: Orphanet 536391, MedGen C5555857, MONDO:0021060.

Submissions (3):

Labcorp Genetics (formerly Invitae), Labcorp
Classification: Likely pathogenic for RASopathy. Last evaluated: 2025-09-08. Review status: criteria provided, single submitter. Criteria: Invitae Variant Classification Sherloc (09022015). Collection method: clinical testing. Allele origin: germline.
Comment: This sequence change replaces arginine, which is basic and polar, with proline, which is neutral and non-polar, at codon 420 of the CBL protein (p.Arg420Pro). This variant is not present in population databases (gnomAD no frequency). This variant has not been reported in the literature in individuals affected with CBL-related conditions. ClinVar contains an entry for this variant (Variation ID: 2065458). Invitae Evidence Modeling of protein sequence and biophysical properties (such as structural, functional, and spatial information, amino acid conservation, physicochemical variation, residue mobility, and thermodynamic stability) indicates that this missense variant is expected to disrupt CBL protein function with a positive predictive value of 95%. This variant disrupts the p.Arg420 amino acid residue in CBL. Other variant(s) that disrupt this residue have been determined to be pathogenic (PMID: 17446348, 20619386, 22246246, 25178484, 33318624, 33627783). This suggests that this residue is clinically significant, and that variants that disrupt this residue are likely to be disease-causing. In summary, the currently available evidence indicates that the variant is pathogenic, but additional data are needed to prove that conclusively. Therefore, this variant has been classified as Likely Pathogenic.

Women's Health and Genetics/Laboratory Corporation of America, LabCorp
Classification: Uncertain significance. Last evaluated: 2025-07-10. Review status: criteria provided, single submitter. Criteria: LabCorp Variant Classification Summary - May 2015. Collection method: clinical testing. Allele origin: germline.
Comment: Variant summary: CBL c.1259G>C (p.Arg420Pro) results in a non-conservative amino acid change located in the Zinc finger, RING-type of the encoded protein sequence. Algorithms developed to predict the effect of missense changes on protein structure and function all suggest that this variant is likely to be disruptive. The variant was absent in 251418 control chromosomes. The available data on variant occurrences in the general population are insufficient to allow any conclusion about variant significance. c.1259G>C has been observed in individual(s) affected with juvenile myelomonocytic leukemia (Hecht_2022). These report(s) do not provide unequivocal conclusions about association of the variant with Noonan Syndrome And Related Conditions. A different variant affecting the same codon has been classified as pathogenic by our lab (c.1259G>A, p.Arg420Gln), supporting the critical relevance of codon 420 to CBL protein function. To our knowledge, no experimental evidence demonstrating an impact on protein function has been reported. The following publications have been ascertained in the context of this evaluation (PMID: 33375775). ClinVar contains an entry for this variant (Variation ID: 2065458). Based on the evidence outlined above, the variant was classified as uncertain significance.

GeneDx
Classification: Likely pathogenic. Last evaluated: 2024-12-27. Review status: criteria provided, single submitter. Criteria: GeneDx Variant Classification Process June 2021. Collection method: clinical testing. Allele origin: germline. Affected: yes.
Comment: Identified in a patient with myeloproliferative neoplasm, Roland brain lesion, chronic hepatosplenomegaly, and bilateral papillary edema (PMID: 35887217); Not observed at significant frequency in large population cohorts (gnomAD); In silico analysis supports that this missense variant has a deleterious effect on protein structure/function; This variant is associated with the following publications: (PMID: 19074904, 20619386, 22315494, 35887217)

Literature cited by the submitters: PubMed 17446348 (cited by Labcorp Genetics (formerly Invitae), Labcorp); PubMed 20619386 (cited by Labcorp Genetics (formerly Invitae), Labcorp and Women's Health and Genetics/Laboratory Corporation of America, LabCorp); PubMed 22246246 (cited by Labcorp Genetics (formerly Invitae), Labcorp); PubMed 25178484 (cited by Labcorp Genetics (formerly Invitae), Labcorp); PubMed 33318624 (cited by Labcorp Genetics (formerly Invitae), Labcorp); PubMed 33627783 (cited by Labcorp Genetics (formerly Invitae), Labcorp); PubMed 25224413 (cited by Women's Health and Genetics/Laboratory Corporation of America, LabCorp); PubMed 21828135 (cited by Women's Health and Genetics/Laboratory Corporation of America, LabCorp); PubMed 23690417 (cited by Women's Health and Genetics/Laboratory Corporation of America, LabCorp); PubMed 19387008 (cited by Women's Health and Genetics/Laboratory Corporation of America, LabCorp); PubMed 19901108 (cited by Women's Health and Genetics/Laboratory Corporation of America, LabCorp); PubMed 20951944 (cited by Women's Health and Genetics/Laboratory Corporation of America, LabCorp); PubMed 19620960 (cited by Women's Health and Genetics/Laboratory Corporation of America, LabCorp); PubMed 22733026 (cited by Women's Health and Genetics/Laboratory Corporation of America, LabCorp); PubMed 29296819 (cited by Women's Health and Genetics/Laboratory Corporation of America, LabCorp); PubMed 23010802 (cited by Women's Health and Genetics/Laboratory Corporation of America, LabCorp); PubMed 27069254 (cited by Women's Health and Genetics/Laboratory Corporation of America, LabCorp); PubMed 33375775 (cited by Women's Health and Genetics/Laboratory Corporation of America, LabCorp).